The following is an entry in ClinVar:

NM_001144936.2(ZFTA):c.1644C>T (p.Asp548=)

Gene: ZFTA (zinc finger translocation associated; minus strand). Cytogenetic location: 11q13.1.
Variant type: single nucleotide variant.
Coding change: c.1644C>T on transcript NM_001144936.2 (MANE Select); coding-DNA position 1644, C replaced by T.
Protein change: p.Asp548=; no amino-acid change (aspartic acid 548 retained).
Molecular consequence: synonymous variant.
Genome position (GRCh38, 1-based): chr11:63,763,811, G>A on the plus strand (C>T on the coding strand, the complement: ZFTA is on the minus strand). VCF-style: chr11-63763811-G-A. GRCh37 (hg19) VCF-style: chr11-63531283-G-A.
Identifiers: ClinVar variation 3905218 (VCV003905218.10).

ClinVar aggregate classification (germline): Likely benign (1 of 4 stars; one submission).

Submission:

CeGaT Center for Human Genetics Tuebingen
Classification: Likely benign. Last evaluated: 2025-05-01. Review status: criteria provided, single submitter. Criteria: CeGaT Center For Human Genetics Tuebingen Variant Classification Criteria Version 2. Collection method: clinical testing. Allele origin: germline. Affected: yes. Observed: 1 variant allele.
Comment: ZFTA: BP4, BP7